The following is an entry in ClinVar:

NM_006393.3(NEBL):c.1307G>A (p.Arg436Lys)

Gene: NEBL (nebulette; minus strand). Cytogenetic location: 10p12.31.
Variant type: single nucleotide variant.
Coding change: c.1307G>A on transcript NM_006393.3 (MANE Select); coding-DNA position 1307, G replaced by A.
Protein change: p.Arg436Lys; replaces arginine 436 with lysine.
Molecular consequence: missense variant. On other transcripts: intron variant (9).
Genome position (GRCh38, 1-based): chr10:20,840,770, C>T on the plus strand (G>A on the coding strand, the complement: NEBL is on the minus strand). VCF-style: chr10-20840770-C-T. GRCh37 (hg19) VCF-style: chr10-21129699-C-T.
Other names: c.250-27830G>A (NM_001377326.1, NM_001377327.1, NM_001377328.1); c.358-27830G>A (NM_213569.2, NM_001173484.2, NM_001377322.1); c.301-27830G>A (NM_001377324.1); c.292-27830G>A (NM_001377325.1); c.310-27830G>A (NM_001377323.1); short protein forms R436K.
Identifiers: ClinVar variation 1769549 (VCV001769549.2), dbSNP rs1477559434, ClinGen allele CA376099117.
Genomic context (GRCh38, chr10:20,840,770, plus strand): 5'-CATCTAAGGTGTTAAATAAACATACTCACCTCACTTGCCATTTCAGAGGCTCGCTTTGCT[C>T]TTTGGATATCAAGAACTTCTGAATTAAGTTCCATTCCTTTCCCTTTTATCTCATTTTCCA-3'
Protein context (NP_006384.1, residues 426-446): ELNSEVLDIQ[Arg436Lys]AKRASEMASE

ClinVar aggregate classification (germline): Uncertain significance (1 of 4 stars; one submission).

Allele frequency attached by ClinVar (database versions not stated): gnomAD 0.00001; TOPMed 0.00001.
gnomAD v4.1: 5 of 1,611,684 alleles (0.00031%); highest among the groups gnomAD compares: Non-Finnish European, 0.00042%; no homozygotes.

Submission:

Ambry Genetics
Classification: Uncertain significance. Last evaluated: 2022-10-23. Review status: criteria provided, single submitter. Criteria: Ambry Variant Classification Scheme 2023. Collection method: clinical testing. Allele origin: germline.
Comment: The p.R436K variant (also known as c.1307G>A), located in coding exon 13 of the NEBL gene, results from a G to A substitution at nucleotide position 1307. The arginine at codon 436 is replaced by lysine, an amino acid with highly similar properties. This amino acid position is conserved. In addition, this alteration is predicted to be tolerated by in silico analysis. Since supporting evidence is limited at this time, the clinical significance of this alteration remains unclear.